The following is an entry in ClinVar:

ClinVar aggregate classification (germline): Likely benign (1 of 4 stars; one submission).

Allele frequency attached by ClinVar (database versions not stated): gnomAD exomes below 0.00001; ExAC 0.00001.

Submission:

CeGaT Center for Human Genetics Tuebingen
Classification: Likely benign. Last evaluated: 2025-09-01. Review status: criteria provided, single submitter. Criteria: CeGaT Center For Human Genetics Tuebingen Variant Classification Criteria Version 2. Collection method: clinical testing. Allele origin: germline. Affected: yes. Observed: 1 variant allele.
Comment: TRMT10C: BP4, BP7

NM_017819.4(TRMT10C):c.273A>G (p.Leu91=)

Gene: TRMT10C (tRNA methyltransferase 10C, mitochondrial RNase P subunit; plus strand). Cytogenetic location: 3q12.3.
Variant type: single nucleotide variant.
Coding change: c.273A>G on transcript NM_017819.4 (MANE Select); coding-DNA position 273, A replaced by G.
Protein change: p.Leu91=; no amino-acid change (leucine 91 retained).
Molecular consequence: synonymous variant.
Genome position (GRCh38, 1-based): chr3:101,565,054, A>G. VCF-style: chr3-101565054-A-G. GRCh37 (hg19) VCF-style: chr3-101283898-A-G.
Identifiers: ClinVar variation 2654011 (VCV002654011.24), dbSNP rs747816875, ClinGen allele CA2520496.